The following is an entry in ClinVar:

NM_001267550.2(TTN):c.49663C>A (p.Pro16555Thr)

Genes: TTN (titin; minus strand), TTN-AS1 (TTN antisense RNA 1; plus strand). Cytogenetic location: 2q31.2.
Variant type: single nucleotide variant.
Coding change: c.49663C>A on transcript NM_001267550.2 (MANE Select); coding-DNA position 49663, C replaced by A.
Protein change: p.Pro16555Thr; replaces proline 16555 with threonine.
Molecular consequence: missense variant.
Genome position (GRCh38, 1-based): chr2:178,613,058, G>T on the plus strand (C>A on the coding strand, the complement: TTN is on the minus strand). VCF-style: chr2-178613058-G-T. GRCh37 (hg19) VCF-style: chr2-179477785-G-T.
Other names: c.44740C>A, p.Pro14914Thr (NM_001256850.1); c.22468C>A, p.Pro7490Thr (NM_003319.4); c.41959C>A, p.Pro13987Thr (NM_133378.4); c.22843C>A, p.Pro7615Thr (NM_133432.3); c.23044C>A, p.Pro7682Thr (NM_133437.4); short protein forms P7490T, P7615T, P7682T, P13987T, P14914T, P16555T.
Identifiers: ClinVar variation 1788343 (VCV001788343.2), dbSNP rs373572207, ClinGen allele CA1994537.

ClinVar aggregate classification (germline): Uncertain significance (1 of 4 stars; one submission).

Conditions:
Cardiovascular phenotype. Identifiers: MedGen CN230736.

Allele frequency attached by ClinVar (database versions not stated): TOPMed 0.00001; ExAC 0.00002; gnomAD 0.00003; ESP Exome Variant Server 0.00008.
gnomAD v4.1: 38 of 1,612,446 alleles (0.0024%); highest among the groups gnomAD compares: Non-Finnish European, 0.0031%; no homozygotes.

Submission:

Ambry Genetics
Classification: Uncertain significance for Cardiovascular phenotype. Last evaluated: 2020-07-28. Review status: criteria provided, single submitter. Criteria: Ambry Variant Classification Scheme 2023. Collection method: clinical testing. Allele origin: germline.
Comment: The p.P7490T variant (also known as c.22468C>A), located in coding exon 92 of the TTN gene, results from a C to A substitution at nucleotide position 22468. The proline at codon 7490 is replaced by threonine, an amino acid with highly similar properties. This amino acid position is highly conserved in available vertebrate species. In addition, the in silico prediction for this alteration is inconclusive. Since supporting evidence is limited at this time, the clinical significance of this alteration remains unclear.